The following is an entry in ClinVar:

ClinVar aggregate classification (germline): Uncertain significance. Review status: criteria provided, multiple submitters, no conflicts (2 of 4 stars). 2 submissions from 2 submitters: Uncertain significance (2). Last evaluated 2025-06-12.

Conditions:
Inborn genetic diseases. Identifiers: MedGen C0950123, MeSH D030342.

Allele frequency attached by ClinVar (database versions not stated): gnomAD exomes 0.00001; ExAC 0.00005; TOPMed 0.00015; 1000 Genomes Project 30x 0.00016; gnomAD 0.00022.
gnomAD v4.1: 52 of 1,612,752 alleles (0.0032%); highest among the groups gnomAD compares: African/African-American, 0.063%; no homozygotes.

Submissions (2):

Labcorp Genetics (formerly Invitae), Labcorp
Classification: Uncertain significance. Last evaluated: 2025-06-12. Review status: criteria provided, single submitter. Criteria: Invitae Variant Classification Sherloc (09022015). Collection method: clinical testing. Allele origin: germline.
Comment: This sequence change replaces glutamic acid, which is acidic and polar, with lysine, which is basic and polar, at codon 3189 of the LAMA5 protein (p.Glu3189Lys). This variant is present in population databases (rs750305016, gnomAD 0.07%). This variant has not been reported in the literature in individuals affected with LAMA5-related conditions. ClinVar contains an entry for this variant (Variation ID: 2068319). An algorithm developed to predict the effect of missense changes on protein structure and function (PolyPhen-2) suggests that this variant is likely to be tolerated. In summary, the available evidence is currently insufficient to determine the role of this variant in disease. Therefore, it has been classified as a Variant of Uncertain Significance.

Ambry Genetics
Classification: Uncertain significance for Inborn genetic diseases. Last evaluated: 2024-07-25. Review status: criteria provided, single submitter. Criteria: Ambry Variant Classification Scheme 2023. Collection method: clinical testing. Allele origin: germline.

NM_005560.6(LAMA5):c.9565G>A (p.Glu3189Lys)

Gene: LAMA5 (laminin subunit alpha 5; minus strand). Cytogenetic location: 20q13.33.
Variant type: single nucleotide variant.
Coding change: c.9565G>A on transcript NM_005560.6 (MANE Select); coding-DNA position 9565, G replaced by A.
Protein change: p.Glu3189Lys; replaces glutamic acid 3189 with lysine.
Molecular consequence: missense variant.
Genome position (GRCh38, 1-based): chr20:62,311,990, C>T on the plus strand (G>A on the coding strand, the complement: LAMA5 is on the minus strand). VCF-style: chr20-62311990-C-T. GRCh37 (hg19) VCF-style: chr20-60887046-C-T.
Other names: c.9565G>A (NM_005560.3); short protein forms E3189K.
Identifiers: ClinVar variation 2068319 (VCV002068319.5), dbSNP rs750305016, ClinGen allele CA9940162.
Genomic context (GRCh38, chr20:62,311,990, plus strand): 5'-TGCTGTAGAAGGCGACGTAATGGGGGGCACCATCGGCGAAGCCCGCTTGAGTTTTCACTT[C>T]AGTCCTCAGGAGCTGTAGGCTCACACGGCCCTGCTGCAGGGACACCTGGCATAGCCCATC-3'
Protein context (NP_005551.3, residues 3179-3199): GRVSLQLLRT[Glu3189Lys]VKTQAGFADG